The following is an entry in ClinVar:

ClinVar aggregate classification (germline): Likely benign. Review status: criteria provided, multiple submitters, no conflicts (2 of 4 stars). 2 submissions from 2 submitters: Likely benign (2). Last evaluated 2023-09-17.

Conditions:
Malignant hyperthermia, susceptibility to, 5 (MHS5). Also called: CACNA1S-Related Malignant Hyperthermia Susceptibility. Identifiers: Orphanet 423, MedGen C1866077, MONDO:0011163, OMIM 601887.
Hypokalemic periodic paralysis, type 1. Also called: Hypokalemic Periodic Paralysis Type 1 (AD); HypoPP. Identifiers: Orphanet 681, MedGen C3714580, MONDO:0042979, OMIM 170400.

gnomAD v4.1: 9 of 1,614,284 alleles (0.00056%); highest among the groups gnomAD compares: Middle Eastern, 0.033%; no homozygotes.

Submissions (2):

All of Us Research Program, National Institutes of Health
Classification: Likely benign for Malignant hyperthermia, susceptibility to, 5. Last evaluated: 2023-09-17. Review status: criteria provided, single submitter. Criteria: ACMG Guidelines, 2015. Collection method: clinical testing. Allele origin: germline. Inheritance: Autosomal dominant inheritance. Observed: 1 variant allele, 1 heterozygote.
Comment: This study involves interpretation of variants in research participants for the purpose of population health screening. Participant phenotype was not available at the time of variant classification. Additional details can be found in publication PMID: 35346344, PMCID: PMC8962531

Labcorp Genetics (formerly Invitae), Labcorp
Classification: Likely benign for Hypokalemic periodic paralysis, type 1; Malignant hyperthermia, susceptibility to, 5. Last evaluated: 2023-08-03. Review status: criteria provided, single submitter. Criteria: Invitae Variant Classification Sherloc (09022015). Collection method: clinical testing. Allele origin: germline.

NM_000069.3(CACNA1S):c.825C>T (p.Phe275=)

Gene: CACNA1S (calcium voltage-gated channel subunit alpha1 S; minus strand). Cytogenetic location: 1q32.1.
Variant type: single nucleotide variant.
Coding change: c.825C>T on transcript NM_000069.3 (MANE Select); coding-DNA position 825, C replaced by T.
Protein change: p.Phe275=; no amino-acid change (phenylalanine 275 retained).
Molecular consequence: synonymous variant.
Genome position (GRCh38, 1-based): chr1:201,089,333, G>A on the plus strand (C>T on the coding strand, the complement: CACNA1S is on the minus strand). VCF-style: chr1-201089333-G-A. GRCh37 (hg19) VCF-style: chr1-201058461-G-A.
Identifiers: ClinVar variation 2926537 (VCV002926537.4), dbSNP rs767806564, ClinGen allele CA084009.